The following is an entry in ClinVar:

NM_177550.5(SLC13A5):c.202C>T (p.Pro68Ser)

Gene: SLC13A5 (solute carrier family 13 member 5; minus strand). Cytogenetic location: 17p13.1.
Variant type: single nucleotide variant.
Coding change: c.202C>T on transcript NM_177550.5 (MANE Select); coding-DNA position 202, C replaced by T.
Protein change: p.Pro68Ser; replaces proline 68 with serine.
Molecular consequence: missense variant. On other transcripts: intron variant (1).
Genome position (GRCh38, 1-based): chr17:6,707,057, G>A on the plus strand (C>T on the coding strand, the complement: SLC13A5 is on the minus strand). VCF-style: chr17-6707057-G-A. GRCh37 (hg19) VCF-style: chr17-6610376-G-A.
Other names: c.202C>T, p.Pro68Ser (NM_001143838.3, NM_001284509.2); c.103-279C>T (NM_001284510.2); short protein forms P68S.
Identifiers: ClinVar variation 652099 (VCV000652099.9), dbSNP rs746055240, ClinGen allele CA8331854.
Genomic context (GRCh38, chr17:6,707,057, plus strand): 5'-AAAGTCACCAGGATCCCTTGGGTCTGCTCACCTGCCTGGAGTCCAGAATCTGGAAGAGTG[G>A]GAAAAGCAAGACAGGCATGAGAGAGGTGACAGCCAGAGGGATGACTTCTGTGCACCAGTA-3'
Protein context (NP_808218.1, residues 58-78): VTSLMPVLLF[Pro68Ser]LFQILDSRQV

ClinVar aggregate classification (germline): Likely pathogenic (1 of 4 stars; one submission).

Conditions:
Developmental and epileptic encephalopathy, 25 (DEE25). Also called: Developmental and epileptic encephalopathy 25, with amelogenesis imperfecta; Epileptic encephalopathy, early infantile, 25, with amelogenesis imperfecta; Epileptic encephalopathy, early infantile, 25. Identifiers: Orphanet 442835, MedGen C4014621, MONDO:0014392, OMIM 615905.

Allele frequency attached by ClinVar (database versions not stated): ExAC 0.00001; gnomAD 0.00001 and 0.00002; gnomAD exomes 0.00001 and 0.00006; TOPMed 0.00002.

Submission:

Labcorp Genetics (formerly Invitae), Labcorp
Classification: Likely pathogenic for Developmental and epileptic encephalopathy, 25. Last evaluated: 2026-02-02. Review status: criteria provided, single submitter. Criteria: Invitae Variant Classification Sherloc (09022015). Collection method: clinical testing. Allele origin: germline.
Comment: This sequence change replaces proline, which is neutral and non-polar, with serine, which is neutral and polar, at codon 68 of the SLC13A5 protein (p.Pro68Ser). This variant is present in population databases (rs746055240, gnomAD 0.002%). This missense change has been observed in individual(s) with SLC13A5-related conditions (PMID: 34489640; internal data). In at least one individual the data is consistent with being in trans (on the opposite chromosome) from a pathogenic variant. ClinVar contains an entry for this variant (Variation ID: 652099). Invitae Evidence Modeling of protein sequence and biophysical properties (such as structural, functional, and spatial information, amino acid conservation, physicochemical variation, residue mobility, and thermodynamic stability) indicates that this missense variant is expected to disrupt SLC13A5 protein function with a positive predictive value of 80%. This variant disrupts the p.Pro68 amino acid residue in SLC13A5. Other variant(s) that disrupt this residue have been observed in individuals with SLC13A5-related conditions (PMID: 27600704), which suggests that this may be a clinically significant amino acid residue. In summary, the currently available evidence indicates that the variant is pathogenic, but additional data are needed to prove that conclusively. Therefore, this variant has been classified as Likely Pathogenic.

Literature cited by the submitters: PubMed 34489640; PubMed 27600704.